The following is an entry in ClinVar:

ClinVar aggregate classification (germline): Uncertain significance (1 of 4 stars; one submission).

Conditions:
46,XY sex reversal 9 (SRXY9). Also called: 46,XY SEX REVERSAL, ZFPM2-RELATED. Identifiers: Orphanet 251510, MedGen C4015129, MONDO:0014480, OMIM 616067.

gnomAD v4.1: 14 of 1,612,944 alleles (0.00087%); highest among the groups gnomAD compares: Non-Finnish European, 0.001%; no homozygotes.

Submission:

Labcorp Genetics (formerly Invitae), Labcorp
Classification: Uncertain significance for 46,XY sex reversal 9. Last evaluated: 2025-08-17. Review status: criteria provided, single submitter. Criteria: Invitae Variant Classification Sherloc (09022015). Collection method: clinical testing. Allele origin: germline.
Comment: This sequence change replaces proline, which is neutral and non-polar, with leucine, which is neutral and non-polar, at codon 154 of the ZFPM2 protein (p.Pro154Leu). This variant is present in population databases (rs769331643, gnomAD 0.0009%). This variant has not been reported in the literature in individuals affected with ZFPM2-related conditions. An algorithm developed to predict the effect of missense changes on protein structure and function (PolyPhen-2) suggests that this variant is likely to be disruptive. In summary, the available evidence is currently insufficient to determine the role of this variant in disease. Therefore, it has been classified as a Variant of Uncertain Significance.

NM_012082.4(ZFPM2):c.461C>T (p.Pro154Leu)

Gene: ZFPM2 (zinc finger protein, FOG family member 2; plus strand). Cytogenetic location: 8q23.1.
Variant type: single nucleotide variant.
Coding change: c.461C>T on transcript NM_012082.4 (MANE Select); coding-DNA position 461, C replaced by T.
Protein change: p.Pro154Leu; replaces proline 154 with leucine.
Molecular consequence: missense variant.
Genome position (GRCh38, 1-based): chr8:105,634,286, C>T. VCF-style: chr8-105634286-C-T. GRCh37 (hg19) VCF-style: chr8-106646514-C-T.
Other names: c.302C>T, p.Pro101Leu (NM_001362836.2); c.65C>T, p.Pro22Leu (NM_001362837.2); short protein forms P101L, P22L, P154L.
Identifiers: ClinVar variation 4750795 (VCV004750795.1).